The following is an entry in ClinVar:

NM_001013838.3(CARMIL2):c.343A>T (p.Ile115Phe)

Gene: CARMIL2 (capping protein regulator and myosin 1 linker 2; plus strand). Cytogenetic location: 16q22.1.
Variant type: single nucleotide variant.
Coding change: c.343A>T on transcript NM_001013838.3 (MANE Select); coding-DNA position 343, A replaced by T.
Protein change: p.Ile115Phe; replaces isoleucine 115 with phenylalanine.
Molecular consequence: missense variant.
Genome position (GRCh38, 1-based): chr16:67,646,279, A>T. VCF-style: chr16-67646279-A-T. GRCh37 (hg19) VCF-style: chr16-67680182-A-T.
Other names: c.343A>T, p.Ile115Phe (NM_001317026.3); short protein forms I115F.
Identifiers: ClinVar variation 1419818 (VCV001419818.3), dbSNP rs2052591714, ClinGen allele CA396330976.

ClinVar aggregate classification (germline): Uncertain significance (1 of 4 stars; one submission).

Allele frequency attached by ClinVar (database versions not stated): TOPMed 0.00001.
gnomAD v4.1: 1 of 1,613,660 alleles (0.000062%); highest among the groups gnomAD compares: Admixed American, 0.0017%; no homozygotes.

Submission:

Labcorp Genetics (formerly Invitae), Labcorp
Classification: Uncertain significance. Last evaluated: 2021-08-11. Review status: criteria provided, single submitter. Criteria: Invitae Variant Classification Sherloc (09022015). Collection method: clinical testing. Allele origin: germline.
Comment: This sequence change replaces isoleucine with phenylalanine at codon 115 of the CARMIL2 protein (p.Ile115Phe). The isoleucine residue is moderately conserved and there is a small physicochemical difference between isoleucine and phenylalanine. This variant is not present in population databases (ExAC no frequency). This variant has not been reported in the literature in individuals affected with CARMIL2-related conditions. Algorithms developed to predict the effect of missense changes on protein structure and function are either unavailable or do not agree on the potential impact of this missense change (SIFT: "Deleterious"; PolyPhen-2: "Possibly Damaging"; Align-GVGD: "Class C0"). In summary, the available evidence is currently insufficient to determine the role of this variant in disease. Therefore, it has been classified as a Variant of Uncertain Significance.